The following is an entry in ClinVar:

NM_001735.3(C5):c.3277G>A (p.Val1093Ile)

Gene: C5 (complement C5; minus strand). Cytogenetic location: 9q33.2.
Variant type: single nucleotide variant.
Coding change: c.3277G>A on transcript NM_001735.3 (MANE Select); coding-DNA position 3277, G replaced by A.
Protein change: p.Val1093Ile; replaces valine 1093 with isoleucine.
Molecular consequence: missense variant.
Genome position (GRCh38, 1-based): chr9:120,982,768, C>T on the plus strand (G>A on the coding strand, the complement: C5 is on the minus strand). VCF-style: chr9-120982768-C-T. GRCh37 (hg19) VCF-style: chr9-123745046-C-T.
Other names: c.3295G>A, p.Val1099Ile (NM_001317163.2); c.3277G>A (NM_001735.2); short protein forms V1093I, V1099I.
Identifiers: ClinVar variation 1443344 (VCV001443344.7), dbSNP rs371131390, ClinGen allele CA5217518.

ClinVar aggregate classification (germline): Conflicting classifications of pathogenicity. Review status: criteria provided, conflicting classifications (1 of 4 stars). 3 submissions from 3 submitters: Uncertain significance (2); Likely benign (1). Last evaluated 2024-05-16.

Conditions:
Eculizumab, poor response to. Identifiers: MedGen C3810402, OMIM 615749.
Complement component 5 deficiency. Also called: C5 DEFICIENCY. Identifiers: MedGen C0343047, MONDO:0012295, OMIM 609536.

Allele frequency attached by ClinVar (database versions not stated): ExAC 0.00003; gnomAD 0.00003 and 0.00004; ESP Exome Variant Server 0.00008.
gnomAD v4.1: 30 of 1,600,442 alleles (0.0019%); highest among the groups gnomAD compares: Admixed American, 0.01%; no homozygotes.

Submissions (3):

Ambry Genetics
Classification: Likely benign. Last evaluated: 2024-05-16. Review status: criteria provided, single submitter. Criteria: Ambry Variant Classification Scheme 2023. Collection method: clinical testing. Allele origin: germline.

Labcorp Genetics (formerly Invitae), Labcorp
Classification: Uncertain significance. Last evaluated: 2022-09-30. Review status: criteria provided, single submitter. Criteria: Invitae Variant Classification Sherloc (09022015). Collection method: clinical testing. Allele origin: germline.
Comment: This sequence change replaces valine, which is neutral and non-polar, with isoleucine, which is neutral and non-polar, at codon 1093 of the C5 protein (p.Val1093Ile). This variant is present in population databases (rs371131390, gnomAD 0.01%). This variant has not been reported in the literature in individuals affected with C5-related conditions. ClinVar contains an entry for this variant (Variation ID: 1443344). Algorithms developed to predict the effect of missense changes on protein structure and function output the following: SIFT: "Tolerated"; PolyPhen-2: "Benign"; Align-GVGD: "Class C0". The isoleucine amino acid residue is found in multiple mammalian species, which suggests that this missense change does not adversely affect protein function. In summary, the available evidence is currently insufficient to determine the role of this variant in disease. Therefore, it has been classified as a Variant of Uncertain Significance.

Fulgent Genetics
Classification: Uncertain significance for Complement component 5 deficiency; Eculizumab, poor response to. Last evaluated: 2022-04-14. Review status: criteria provided, single submitter. Criteria: ACMG Guidelines, 2015. Collection method: clinical testing. Allele origin: unknown.